The following is an entry in ClinVar:

NM_001458.5(FLNC):c.5509G>C (p.Gly1837Arg)

Genes: FLNC (filamin C; plus strand), FLNC-AS1 (FLNC antisense RNA 1; minus strand). Cytogenetic location: 7q32.1.
Variant type: single nucleotide variant.
Coding change: c.5509G>C on transcript NM_001458.5 (MANE Select); coding-DNA position 5509, G replaced by C.
Protein change: p.Gly1837Arg; replaces glycine 1837 with arginine.
Molecular consequence: missense variant.
Genome position (GRCh38, 1-based): chr7:128,850,913, G>C. VCF-style: chr7-128850913-G-C. GRCh37 (hg19) VCF-style: chr7-128490967-G-C.
Other names: c.5410G>C, p.Gly1804Arg (NM_001127487.2); short protein forms G1837R, G1804R.
Identifiers: ClinVar variation 429746 (VCV000429746.2), dbSNP rs1131691565, ClinGen allele CA369206954.

ClinVar aggregate classification (germline): Uncertain significance (1 of 4 stars; one submission).

Allele frequency attached by ClinVar (database versions not stated): gnomAD exomes below 0.00001.
gnomAD v4.1: 2 of 1,613,744 alleles (0.00012%); highest among the groups gnomAD compares: Non-Finnish European, 0.00017%; no homozygotes.

Submission:

GeneDx
Classification: Uncertain significance. Last evaluated: 2017-05-12. Review status: criteria provided, single submitter. Criteria: GeneDx Variant Classification (06012015). Collection method: clinical testing. Allele origin: germline. Affected: yes.
Comment: The G1837R variant has not been published as a pathogenic variant, nor has it been reported as a benign variant to our knowledge. The G1837R variant is not observed in large population cohorts (Lek et al., 2016; 1000 Genomes Consortium et al., 2015; Exome Variant Server). This variant is a non-conservative amino acid substitution, which is likely to impact secondary protein structure as these residues differ in polarity, charge, size and/or other properties. This substitution occurs at a position that is conserved in mammals; however, missense variants in nearby residues have not been reported in the Human Gene Mutation Database in association with FLNC-related disorders (Stenson et al., 2014). In silico analysis is inconsistent in its predictions as to whether or not the variant is damaging to the protein structure/function.